The following is an entry in ClinVar:

ClinVar aggregate classification (germline): Uncertain significance (1 of 4 stars; one submission).

Conditions:
Cardiovascular phenotype. Identifiers: MedGen CN230736.

gnomAD v4.1: 2 of 1,568,568 alleles (0.00013%); highest among the groups gnomAD compares: African/African-American, 0.0013%; no homozygotes.

Submission:

Ambry Genetics
Classification: Uncertain significance for Cardiovascular phenotype. Last evaluated: 2026-09-04. Review status: criteria provided, single submitter. Criteria: Ambry Variant Classification Scheme 2023. Collection method: clinical testing. Allele origin: germline.
Comment: The p.R258G variant (also known as c.772C>G), located in coding exon 3 of the APOE gene, results from a C to G substitution at nucleotide position 772. The arginine at codon 258 is replaced by glycine, an amino acid with dissimilar properties. This amino acid position is conserved. In addition, this alteration is predicted to be tolerated by in silico analysis. Based on the available evidence, the clinical significance of this variant remains unclear.

NM_000041.4(APOE):c.772C>G (p.Arg258Gly)

Gene: APOE (apolipoprotein E; plus strand). Cytogenetic location: 19q13.32.
Variant type: single nucleotide variant.
Coding change: c.772C>G on transcript NM_000041.4 (MANE Select); coding-DNA position 772, C replaced by G.
Protein change: p.Arg258Gly; replaces arginine 258 with glycine.
Molecular consequence: missense variant.
Genome position (GRCh38, 1-based): chr19:44,909,068, C>G. VCF-style: chr19-44909068-C-G. GRCh37 (hg19) VCF-style: chr19-45412325-C-G.
Other names: c.850C>G, p.Arg284Gly (NM_001302688.2); c.772C>G, p.Arg258Gly (NM_001302689.2, NM_001302690.2, NM_001302691.2); short protein forms R258G, R284G.
Identifiers: ClinVar variation 5028952 (VCV005028952.1).